The following is an entry in ClinVar:

ClinVar aggregate classification (germline): Likely pathogenic (1 of 4 stars; one submission).

Submission:

GeneDx
Classification: Likely pathogenic. Last evaluated: 2019-09-09. Review status: criteria provided, single submitter. Criteria: GeneDx Variant Classification (06012015). Collection method: clinical testing. Allele origin: germline. Affected: yes.
Comment: Not observed in large population cohorts (Lek et al., 2016); Frameshift variant predicted to result in protein truncation or nonsense mediated decay in a gene for which loss-of-function is not a known mechanism of disease; Has not been previously published as pathogenic or benign to our knowledge

NM_001148.6(ANK2):c.3490_3493del (p.Ile1164fs)

Gene: ANK2 (ankyrin 2; plus strand). Cytogenetic location: 4q26.
Variant type: Deletion.
Coding change: c.3490_3493del on transcript NM_001148.6 (MANE Select); coding-DNA positions 3490 to 3493, 4 bases deleted (ATTG; older notation c.3490_3493delATTG).
Protein change: p.Ile1164fs; shifts the reading frame from isoleucine 1164.
Molecular consequence: frameshift variant.
Genome position (GRCh38, 1-based): chr4:113,335,956-113,335,959, ATTG deleted; deleting any 4 consecutive bases within chr4:113,335,954-113,335,959 gives the same sequence; the c. name uses the placement nearest the transcript's 3' end. VCF-style (leftmost placement, unchanged base first): chr4-113335953-CTGAT-C. GRCh37 (hg19) VCF-style: chr4-114257109-CTGAT-C.
Other names: c.3463_3466del, p.Ile1155fs (NM_001127493.3); c.3502_3505del, p.Ile1168fs (NM_001354225.2); c.3391_3394del, p.Ile1131fs (NM_001354228.2, NM_001354258.2); c.3469_3472del, p.Ile1157fs (NM_001354230.2); c.3532_3535del, p.Ile1178fs (NM_001354231.2, NM_001354242.2); c.3526_3529del, p.Ile1176fs (NM_001354232.2); c.3487_3490del, p.Ile1163fs (NM_001354235.2, NM_001354246.2, NM_001354265.2); c.3388_3391del, p.Ile1130fs (NM_001354236.2); and 30 more; short protein forms I1089fs, I1098fs, I1117fs, I1130fs, I1154fs, I1164fs, I1176fs, I1178fs.
Identifiers: ClinVar variation 818077 (VCV000818077.1), dbSNP rs1588487990, ClinGen allele CA915943179.